The following is an entry in ClinVar:

ClinVar aggregate classification (germline): Uncertain significance (1 of 4 stars; one submission).

Conditions:
Inborn genetic diseases. Identifiers: MedGen C0950123, MeSH D030342.

gnomAD v4.1: 16 of 1,613,748 alleles (0.00099%); highest among the groups gnomAD compares: Non-Finnish European, 0.0014%; no homozygotes.

Submission:

Ambry Genetics
Classification: Uncertain significance for Inborn genetic diseases. Last evaluated: 2026-08-12. Review status: criteria provided, single submitter. Criteria: Ambry Variant Classification Scheme 2023. Collection method: clinical testing. Allele origin: germline.
Comment: The c.428C>T (p.A143V) alteration is located in exon 5 (coding exon 4) of the DHX9 gene. This alteration results from a C to T substitution at nucleotide position 428, causing the alanine (A) at amino acid position 143 to be replaced by a valine (V). Based on data from gnomAD, the T allele has an overall frequency of 0.003% (1/31384) total alleles studied. The highest observed frequency was 0.007% (1/15416) of European (non-Finnish) alleles. Based on insufficient or conflicting evidence, the clinical significance of this alteration remains unclear.

NM_001357.5(DHX9):c.428C>T (p.Ala143Val)

Gene: DHX9 (DExH-box helicase 9; plus strand). Cytogenetic location: 1q25.3.
Variant type: single nucleotide variant.
Coding change: c.428C>T on transcript NM_001357.5 (MANE Select); coding-DNA position 428, C replaced by T.
Protein change: p.Ala143Val; replaces alanine 143 with valine.
Molecular consequence: missense variant. On other transcripts: non-coding transcript variant (1).
Genome position (GRCh38, 1-based): chr1:182,853,369, C>T. VCF-style: chr1-182853369-C-T. GRCh37 (hg19) VCF-style: chr1-182822504-C-T.
Other names: short protein forms A143V.
Identifiers: ClinVar variation 5035213 (VCV005035213.1).